The following is an entry in ClinVar:

NM_004336.5(BUB1):c.218T>C (p.Leu73Ser)

Gene: BUB1 (BUB1 mitotic checkpoint serine/threonine kinase; minus strand). Cytogenetic location: 2q13.
Variant type: single nucleotide variant.
Coding change: c.218T>C on transcript NM_004336.5 (MANE Select); coding-DNA position 218, T replaced by C.
Protein change: p.Leu73Ser; replaces leucine 73 with serine.
Molecular consequence: missense variant.
Genome position (GRCh38, 1-based): chr2:110,674,093, A>G on the plus strand (T>C on the coding strand, the complement: BUB1 is on the minus strand). VCF-style: chr2-110674093-A-G. GRCh37 (hg19) VCF-style: chr2-111431670-A-G.
Other names: c.158T>C, p.Leu53Ser (NM_001278616.2); c.218T>C, p.Leu73Ser (NM_001278617.2); short protein forms L53S, L73S.
Identifiers: ClinVar variation 3483029 (VCV003483029.1).

ClinVar aggregate classification (germline): Uncertain significance (1 of 4 stars; one submission).

Submission:

Ambry Genetics
Classification: Uncertain significance. Last evaluated: 2024-07-31. Review status: criteria provided, single submitter. Criteria: Ambry Variant Classification Scheme 2023. Collection method: clinical testing. Allele origin: germline.
Comment: The p.L73S variant (also known as c.218T>C), located in coding exon 3 of the BUB1 gene, results from a T to C substitution at nucleotide position 218. The leucine at codon 73 is replaced by serine, an amino acid with dissimilar properties. This amino acid position is conserved. In addition, this alteration is predicted to be deleterious by in silico analysis. Based on the available evidence, the clinical significance of this variant remains unclear.